The following is an entry in ClinVar:

NM_144573.4(NEXN):c.1252-5dup

Gene: NEXN (nexilin F-actin binding protein; plus strand). Cytogenetic location: 1p31.1.
Variant type: Duplication.
Coding change: c.1252-5dup on transcript NM_144573.4 (MANE Select); 5 bases into the intron before coding-DNA position 1252, one base duplicated (T; older notation c.1252-5dupT).
Molecular consequence: intron variant.
Genome position (GRCh38, 1-based): chr1:77,935,818, T duplicated; the last of 8 consecutive T bases (chr1:77,935,811-77,935,818); duplicating any one gives the same sequence. VCF-style (leftmost placement, unchanged base first): chr1-77935810-A-AT. GRCh37 (hg19) VCF-style: chr1-78401495-A-AT.
Other names: c.1060-5dup (NM_001172309.2).
Identifiers: ClinVar variation 681562 (VCV000681562.6), dbSNP rs768326968, ClinGen allele CA918848.

ClinVar aggregate classification (germline): Benign/Likely benign. Review status: criteria provided, multiple submitters, no conflicts (2 of 4 stars). 3 submissions from 3 submitters: Benign (1); Likely benign (2). Last evaluated 2025-06-27.

Conditions:
Cardiovascular phenotype. Identifiers: MedGen CN230736.
Dilated cardiomyopathy 1CC (CMD1CC). Identifiers: Orphanet 154, MedGen C2751084, MONDO:0013147, OMIM 613122.
Hypertrophic cardiomyopathy 20. Identifiers: MedGen C3151267, MONDO:0013477, OMIM 613876.

Submissions (3):

Labcorp Genetics (formerly Invitae), Labcorp
Classification: Benign for Dilated cardiomyopathy 1CC; Hypertrophic cardiomyopathy 20. Last evaluated: 2025-06-27. Review status: criteria provided, single submitter. Criteria: Invitae Variant Classification Sherloc (09022015). Collection method: clinical testing. Allele origin: germline.

Ambry Genetics
Classification: Likely benign for Cardiovascular phenotype. Last evaluated: 2021-05-14. Review status: criteria provided, single submitter. Criteria: Ambry Variant Classification Scheme 2023. Collection method: clinical testing. Allele origin: germline.

GeneDx
Classification: Likely benign. Last evaluated: 2018-04-05. Review status: criteria provided, single submitter. Criteria: GeneDx Variant Classification (06012015). Collection method: clinical testing. Allele origin: germline. Affected: yes.
Comment: This variant is considered likely benign or benign based on one or more of the following criteria: it is a conservative change, it occurs at a poorly conserved position in the protein, it is predicted to be benign by multiple in silico algorithms, and/or has population frequency not consistent with disease.